The following is an entry in ClinVar:

ClinVar aggregate classification (germline): Likely benign (1 of 4 stars; one submission).

Conditions:
Arrhythmogenic cardiomyopathy with wooly hair and keratoderma. Also called: Carvajal syndrome; PALMOPLANTAR KERATODERMA WITH LEFT VENTRICULAR CARDIOMYOPATHY AND WOOLLY HAIR; Dilated cardiomyopathy with woolly hair and keratoderma; Arrhythmogenic cardiomyopathy with woolly hair and keratoderma. Identifiers: Orphanet 65282, MedGen C1854063, MONDO:0011581, OMIM 605676.

Submission:

All of Us Research Program, National Institutes of Health
Classification: Likely benign for Arrhythmogenic cardiomyopathy with wooly hair and keratoderma. Last evaluated: 2024-03-24. Review status: criteria provided, single submitter. Criteria: ACMG Guidelines, 2015. Collection method: clinical testing. Allele origin: germline. Inheritance: Autosomal dominant inheritance. Observed: 1 variant allele, 1 heterozygote.
Comment: This study involves interpretation of variants in research participants for the purpose of population health screening. Participant phenotype was not available at the time of variant classification. Additional details can be found in publication PMID: 35346344, PMCID: PMC8962531

NM_004415.4(DSP):c.6168T>G (p.Gly2056=)

Gene: DSP (desmoplakin; plus strand). Cytogenetic location: 6p24.3.
Variant type: single nucleotide variant.
Coding change: c.6168T>G on transcript NM_004415.4 (MANE Select); coding-DNA position 6168, T replaced by G.
Protein change: p.Gly2056=; no amino-acid change (glycine 2056 retained).
Molecular consequence: synonymous variant.
Genome position (GRCh38, 1-based): chr6:7,583,430, T>G. VCF-style: chr6-7583430-T-G. GRCh37 (hg19) VCF-style: chr6-7583663-T-G.
Other names: c.4371T>G, p.Gly1457= (NM_001008844.3); c.4839T>G, p.Gly1613= (NM_001319034.2).
Identifiers: ClinVar variation 3386699 (VCV003386699.1).